The following is an entry in ClinVar:

ClinVar aggregate classification (germline): Uncertain significance (1 of 4 stars; one submission).

Allele frequency attached by ClinVar (database versions not stated): gnomAD exomes below 0.00001; ExAC 0.00001; gnomAD 0.00001; TOPMed 0.00001; 1000 Genomes Project 30x 0.00016; 1000 Genomes Project 0.00020.
gnomAD v4.1: 6 of 1,614,126 alleles (0.00037%); highest among the groups gnomAD compares: African/African-American, 0.0053%; no homozygotes.

Submission:

Labcorp Genetics (formerly Invitae), Labcorp
Classification: Uncertain significance. Last evaluated: 2022-05-05. Review status: criteria provided, single submitter. Criteria: Invitae Variant Classification Sherloc (09022015). Collection method: clinical testing. Allele origin: germline.
Comment: Algorithms developed to predict the effect of missense changes on protein structure and function (SIFT, PolyPhen-2, Align-GVGD) all suggest that this variant is likely to be disruptive. In summary, the available evidence is currently insufficient to determine the role of this variant in disease. Therefore, it has been classified as a Variant of Uncertain Significance. This variant has not been reported in the literature in individuals affected with SYT2-related conditions. This variant is present in population databases (rs567311430, gnomAD 0.01%). This sequence change replaces valine, which is neutral and non-polar, with isoleucine, which is neutral and non-polar, at codon 181 of the SYT2 protein (p.Val181Ile).

NM_177402.5(SYT2):c.541G>A (p.Val181Ile)

Gene: SYT2 (synaptotagmin 2; minus strand). Cytogenetic location: 1q32.1.
Variant type: single nucleotide variant.
Coding change: c.541G>A on transcript NM_177402.5 (MANE Select); coding-DNA position 541, G replaced by A.
Protein change: p.Val181Ile; replaces valine 181 with isoleucine.
Molecular consequence: missense variant.
Genome position (GRCh38, 1-based): chr1:202,602,470, C>T on the plus strand (G>A on the coding strand, the complement: SYT2 is on the minus strand). VCF-style: chr1-202602470-C-T. GRCh37 (hg19) VCF-style: chr1-202571598-C-T.
Other names: c.541G>A, p.Val181Ile (NM_001136504.1); short protein forms V181I.
Identifiers: ClinVar variation 1947089 (VCV001947089.5), dbSNP rs567311430, ClinGen allele CA1333742.
Genomic context (GRCh38, chr1:202,602,470, plus strand): 5'-TCAGTGTCTTCCGATGGACTTTGGTCTCATATTTCTTCTTCTTGTCAGGAAGGAGGAAGA[C>T]CTTGACATAAGGGTCTGAGGTGCCTCCCATGTCCAGGGCAGGCAGTTCAGCAGCCTGCAG-3'
Protein context (NP_796376.2, residues 171-191): MGGTSDPYVK[Val181Ile]FLLPDKKKKY